The following is an entry in ClinVar:

NM_002458.3(MUC5B):c.13379C>T (p.Thr4460Met)

Gene: MUC5B (mucin 5B, oligomeric mucus/gel-forming; plus strand). Cytogenetic location: 11p15.5.
Variant type: single nucleotide variant.
Coding change: c.13379C>T on transcript NM_002458.3 (MANE Select); coding-DNA position 13379, C replaced by T.
Protein change: p.Thr4460Met; replaces threonine 4460 with methionine.
Molecular consequence: missense variant.
Genome position (GRCh38, 1-based): chr11:1,250,259, C>T. VCF-style: chr11-1250259-C-T. GRCh37 (hg19) VCF-style: chr11-1271489-C-T.
Other names: short protein forms T4460M.
Identifiers: ClinVar variation 3256960 (VCV003256960.17).

ClinVar aggregate classification (germline): Benign (1 of 4 stars; one submission).

gnomAD v4.1: 2,310 of 1,606,192 alleles (0.14%); highest among the groups gnomAD compares: African/African-American, 1.3%; 16 homozygotes.

Submission:

CeGaT Center for Human Genetics Tuebingen
Classification: Benign. Last evaluated: 2024-07-01. Review status: criteria provided, single submitter. Criteria: CeGaT Center For Human Genetics Tuebingen Variant Classification Criteria Version 2. Collection method: clinical testing. Allele origin: germline. Affected: yes. Observed: 1 variant allele.
Comment: MUC5B: BP4, BS1, BS2